The following is an entry in ClinVar:

ClinVar aggregate classification (germline): Benign. Review status: criteria provided, single submitter (1 of 4 stars). 2 submissions from 2 submitters: Benign (1). 1 of the submissions does not count toward it. Last evaluated 2019-12-31.

Conditions:
ITPR3-related disorder. Also called: ITPR3-related condition.

Allele frequency attached by ClinVar (database versions not stated): TOPMed 0.00176; 1000 Genomes Project 30x 0.01171; 1000 Genomes Project 0.01218.
gnomAD v4.1: 2,924 of 1,614,044 alleles (0.18%); highest among the groups gnomAD compares: East Asian, 4.1%; 61 homozygotes.

Submissions (2):

Labcorp Genetics (formerly Invitae), Labcorp
Classification: Benign. Last evaluated: 2019-12-31. Review status: criteria provided, single submitter. Criteria: Invitae Variant Classification Sherloc (09022015). Collection method: clinical testing. Allele origin: germline.

PreventionGenetics, part of Exact Sciences
Classification: Benign for ITPR3-related condition. Last evaluated: 2019-02-28. Review status: no assertion criteria provided. Collection method: clinical testing. Allele origin: germline. Not counted in ClinVar's aggregate classification.
Comment: This variant is classified as benign based on ACMG/AMP sequence variant interpretation guidelines (Richards et al. 2015 PMID: 25741868, with internal and published modifications).

NM_002224.4(ITPR3):c.4971G>A (p.Ser1657=)

Gene: ITPR3 (inositol 1,4,5-trisphosphate receptor type 3; plus strand). Cytogenetic location: 6p21.31.
Variant type: single nucleotide variant.
Coding change: c.4971G>A on transcript NM_002224.4 (MANE Select); coding-DNA position 4971, G replaced by A.
Protein change: p.Ser1657=; no amino-acid change (serine 1657 retained).
Molecular consequence: synonymous variant.
Genome position (GRCh38, 1-based): chr6:33,684,390, G>A. VCF-style: chr6-33684390-G-A. GRCh37 (hg19) VCF-style: chr6-33652167-G-A.
Identifiers: ClinVar variation 779908 (VCV000779908.6), dbSNP rs118044529, ClinGen allele CA3761394.
Genomic context (GRCh38, chr6:33,684,390, plus strand): 5'-CCTGAGCTGCCTCCTTGGCCGGCTCAGGCTGATCCAGCACACCAAGGACCTCATGGAGTC[G>A]GAGGAGAAGCTGTGCATCAAGGTGCTGCGGACCCTGCAGCAGATGCTGCTCAAGAAGACC-3'
Protein context (NP_002215.2, residues 1647-1667): LIQHTKDLME[Ser1657=]EEKLCIKVLR